The following is an entry in ClinVar:

NC_000013.11:g.48303683_48303684delinsAA

Genes: RB1 (RB transcriptional corepressor 1; plus strand), RB1-DT (RB1 divergent transcript; minus strand). Cytogenetic location: 13q14.2.
Variant type: Indel.
Molecular consequence: non-coding transcript variant (on NR_046414.2).
Genome position: GRCh38 VCF-style: chr13-48303683-CC-AA. GRCh37 (hg19) VCF-style: chr13-48877819-CC-AA.
Identifiers: ClinVar variation 2899769 (VCV002899769.3), dbSNP rs2542091653, ClinGen allele CA2739277671.
Genomic context (GRCh38, chr13:48,303,683, plus strand): 5'-GACTTAGCGTCCCAGCCCGCGCACCGACCAGCGCCCCAGTTCCCCACAGACGCCGGCGGG[CC>AA]CGGGAGCCTCGCGGACGTGACGCCGCGGGCGGAAGTGACGTTTTCCCGCGGTTGGACGCG-3'

ClinVar aggregate classification (germline): Uncertain significance (1 of 4 stars; one submission).

Conditions:
Retinoblastoma (RB1). Also called: RETINOBLASTOMA, SOMATIC. Identifiers: Orphanet 790, MedGen C0035335, MeSH D012175, MONDO:0008380, OMIM 180200, HP:0009919. Disease mechanism: loss of function. Inheritance: Both sporadic and heritable forms are tested..

Submission:

Labcorp Genetics (formerly Invitae), Labcorp
Classification: Uncertain significance for Retinoblastoma. Last evaluated: 2025-10-24. Review status: criteria provided, single submitter. Criteria: Invitae Variant Classification Sherloc (09022015). Collection method: clinical testing. Allele origin: germline.
Comment: This variant occurs in a non-coding region of the RB1 gene. It does not change the encoded amino acid sequence of the RB1 protein. Information on the frequency of this variant in the gnomAD database is not available, as this variant may be reported differently in the database. This variant has not been reported in the literature in individuals affected with RB1-related conditions. Experimental studies and prediction algorithms are not available or were not evaluated, and the functional significance of this variant is currently unknown. In summary, the available evidence is currently insufficient to determine the role of this variant in disease. Therefore, it has been classified as a Variant of Uncertain Significance.